The following is an entry in ClinVar:

NC_000022.11:g.40345658T>A

Gene: ADSL (adenylosuccinate lyase; plus strand). Cytogenetic location: 22q13.1.
Variant type: single nucleotide variant.
Genome position: GRCh38 VCF-style: chr22-40345658-T-A. GRCh37 (hg19) VCF-style: chr22-40741662-T-A.
Identifiers: ClinVar variation 2009745 (VCV002009745.5), dbSNP rs2518074200, ClinGen allele CA2580099799.

ClinVar aggregate classification (germline): Uncertain significance (1 of 4 stars; one submission).

Conditions:
Adenylosuccinate lyase deficiency (ADSLD). Also called: ADSL DEFICIENCY. Identifiers: Orphanet 46, MedGen C0268126, MONDO:0007068, OMIM 103050.

Submission:

Labcorp Genetics (formerly Invitae), Labcorp
Classification: Uncertain significance for Adenylosuccinate lyase deficiency. Last evaluated: 2022-06-23. Review status: criteria provided, single submitter. Criteria: Invitae Variant Classification Sherloc (09022015). Collection method: clinical testing. Allele origin: germline.
Comment: This variant occurs in a non-coding region of the ADSL gene. It does not change the encoded amino acid sequence of the ADSL protein. This variant is not present in population databases (gnomAD no frequency). This variant has not been reported in the literature in individuals affected with ADSL-related conditions. Experimental studies and prediction algorithms are not available or were not evaluated, and the functional significance of this variant is currently unknown. In summary, the available evidence is currently insufficient to determine the role of this variant in disease. Therefore, it has been classified as a Variant of Uncertain Significance.